The following is an entry in ClinVar:

NM_001844.5(COL2A1):c.1442C>T (p.Ala481Val)

Gene: COL2A1 (collagen type II alpha 1 chain; minus strand). Cytogenetic location: 12q13.11.
Variant type: single nucleotide variant.
Coding change: c.1442C>T on transcript NM_001844.5 (MANE Select); coding-DNA position 1442, C replaced by T.
Protein change: p.Ala481Val; replaces alanine 481 with valine.
Molecular consequence: missense variant.
Genome position (GRCh38, 1-based): chr12:47,986,421, G>A on the plus strand (C>T on the coding strand, the complement: COL2A1 is on the minus strand). VCF-style: chr12-47986421-G-A. GRCh37 (hg19) VCF-style: chr12-48380204-G-A.
Other names: c.1235C>T, p.Ala412Val (NM_033150.3); short protein forms A412V, A481V.
Identifiers: ClinVar variation 4808556 (VCV004808556.1).

ClinVar aggregate classification (germline): Uncertain significance (1 of 4 stars; one submission).

Submission:

Labcorp Genetics (formerly Invitae), Labcorp
Classification: Uncertain significance. Last evaluated: 2025-12-09. Review status: criteria provided, single submitter. Criteria: Invitae Variant Classification Sherloc (09022015). Collection method: clinical testing. Allele origin: germline.
Comment: This sequence change replaces alanine, which is neutral and non-polar, with valine, which is neutral and non-polar, at codon 481 of the COL2A1 protein (p.Ala481Val). This variant is not present in population databases (gnomAD no frequency). This variant has not been reported in the literature in individuals affected with COL2A1-related conditions. Invitae Evidence Modeling of protein sequence and biophysical properties (such as structural, functional, and spatial information, amino acid conservation, physicochemical variation, residue mobility, and thermodynamic stability) indicates that this missense variant is not expected to disrupt COL2A1 protein function with a negative predictive value of 95%. In summary, the available evidence is currently insufficient to determine the role of this variant in disease. Therefore, it has been classified as a Variant of Uncertain Significance.